The following is an entry in ClinVar:

ClinVar aggregate classification (germline): Uncertain significance (1 of 4 stars; one submission).

Conditions:
Dyskeratosis congenita, autosomal dominant 6 (DKCA6). Identifiers: Orphanet 3322, MedGen C4225284, MONDO:0014690, OMIM 616553.

Submission:

Labcorp Genetics (formerly Invitae), Labcorp
Classification: Uncertain significance for Dyskeratosis congenita, autosomal dominant 6. Last evaluated: 2022-10-05. Review status: criteria provided, single submitter. Criteria: Invitae Variant Classification Sherloc (09022015). Collection method: clinical testing. Allele origin: germline.
Comment: In summary, the available evidence is currently insufficient to determine the role of this variant in disease. Therefore, it has been classified as a Variant of Uncertain Significance. Algorithms developed to predict the effect of sequence changes on RNA splicing suggest that this variant may create or strengthen a splice site. Algorithms developed to predict the effect of missense changes on protein structure and function are either unavailable or do not agree on the potential impact of this missense change (SIFT: "Deleterious"; PolyPhen-2: "Possibly Damaging"; Align-GVGD: "Class C0"). This variant has not been reported in the literature in individuals affected with ACD-related conditions. This variant is not present in population databases (gnomAD no frequency). This sequence change replaces alanine, which is neutral and non-polar, with valine, which is neutral and non-polar, at codon 42 of the ACD protein (p.Ala42Val).

NC_000016.10:g.67660354G>A

Genes: ACD (ACD shelterin complex subunit and telomerase recruitment factor; minus strand), LOC130059224 (ATAC-STARR-seq lymphoblastoid silent region 7617; plus strand). Cytogenetic location: 16q22.1.
Variant type: single nucleotide variant.
Genome position: GRCh38 VCF-style: chr16-67660354-G-A. GRCh37 (hg19) VCF-style: chr16-67694257-G-A.
Identifiers: ClinVar variation 1953283 (VCV001953283.5), dbSNP rs1396620065, ClinGen allele CA396359667.
Genomic context (GRCh38, chr16:67,660,354, plus strand): 5'-AGAGGAAGCTCCTTCGCTGGGCGGGGCCGGAGGAGGAGGCCCCGCCCACGTACACCCCGC[G>A]CCTGCGCACGAGGGCGTCCTGCTCGGGGGCCTGTGTGCAGACTCCCGCTGGTCCACCCCG-3'